The following is an entry in ClinVar:

NM_000660.7(TGFB1):c.575C>T (p.Ser192Leu)

Gene: TGFB1 (transforming growth factor beta 1; minus strand). Cytogenetic location: 19q13.2.
Variant type: single nucleotide variant.
Coding change: c.575C>T on transcript NM_000660.7 (MANE Select); coding-DNA position 575, C replaced by T.
Protein change: p.Ser192Leu; replaces serine 192 with leucine.
Molecular consequence: missense variant.
Genome position (GRCh38, 1-based): chr19:41,344,806, G>A on the plus strand (C>T on the coding strand, the complement: TGFB1 is on the minus strand). VCF-style: chr19-41344806-G-A. GRCh37 (hg19) VCF-style: chr19-41850711-G-A.
Other names: short protein forms S192L.
Identifiers: ClinVar variation 2861399 (VCV002861399.3), dbSNP rs2038097480, ClinGen allele CA406003142.

ClinVar aggregate classification (germline): Uncertain significance (1 of 4 stars; one submission).

Allele frequency attached by ClinVar (database versions not stated): gnomAD exomes 0.00001; TOPMed 0.00002.
gnomAD v4.1: 5 of 1,612,684 alleles (0.00031%); highest among the groups gnomAD compares: South Asian, 0.0022%; no homozygotes.

Submission:

Labcorp Genetics (formerly Invitae), Labcorp
Classification: Uncertain significance. Last evaluated: 2024-01-03. Review status: criteria provided, single submitter. Criteria: Invitae Variant Classification Sherloc (09022015). Collection method: clinical testing. Allele origin: germline.
Comment: This sequence change replaces serine, which is neutral and polar, with leucine, which is neutral and non-polar, at codon 192 of the TGFB1 protein (p.Ser192Leu). This variant is not present in population databases (gnomAD no frequency). This variant has not been reported in the literature in individuals affected with TGFB1-related conditions. Advanced modeling of protein sequence and biophysical properties (such as structural, functional, and spatial information, amino acid conservation, physicochemical variation, residue mobility, and thermodynamic stability) performed at Invitae indicates that this missense variant is not expected to disrupt TGFB1 protein function with a negative predictive value of 80%. In summary, the available evidence is currently insufficient to determine the role of this variant in disease. Therefore, it has been classified as a Variant of Uncertain Significance.